The following is an entry in ClinVar:

ClinVar aggregate classification (germline): Uncertain significance (1 of 4 stars; one submission).

Allele frequency attached by ClinVar (database versions not stated): gnomAD exomes below 0.00001.
gnomAD v4.1: 4 of 1,611,514 alleles (0.00025%); highest among the groups gnomAD compares: African/African-American, 0.0013%; no homozygotes.

Submission:

GeneDx
Classification: Uncertain significance. Last evaluated: 2022-12-02. Review status: criteria provided, single submitter. Criteria: GeneDx Variant Classification Process June 2021. Collection method: clinical testing. Allele origin: germline. Affected: yes.
Comment: Not observed at significant frequency in large population cohorts (gnomAD); In silico analysis supports that this missense variant does not alter protein structure/function; Has not been previously published as pathogenic or benign to our knowledge

NM_020338.4(ZMIZ1):c.791T>C (p.Met264Thr)

Gene: ZMIZ1 (zinc finger MIZ-type containing 1; plus strand). Cytogenetic location: 10q22.3.
Variant type: single nucleotide variant.
Coding change: c.791T>C on transcript NM_020338.4 (MANE Select); coding-DNA position 791, T replaced by C.
Protein change: p.Met264Thr; replaces methionine 264 with threonine.
Molecular consequence: missense variant.
Genome position (GRCh38, 1-based): chr10:79,292,190, T>C. VCF-style: chr10-79292190-T-C. GRCh37 (hg19) VCF-style: chr10-81051947-T-C.
Other names: short protein forms M264T.
Identifiers: ClinVar variation 2504223 (VCV002504223.1), dbSNP rs1385910949, ClinGen allele CA377332835.